The following is an entry in ClinVar:

ClinVar aggregate classification (germline): Uncertain significance (1 of 4 stars; one submission).

Conditions:
Axenfeld-Rieger syndrome type 3 (RIEG3). Also called: AXENFELD-RIEGER ANOMALY WITH CARDIAC DEFECTS AND/OR SENSORINEURAL HEARING LOSS. Identifiers: Orphanet 782, MedGen C2678503, MONDO:0011233, OMIM 602482.

Allele frequency attached by ClinVar (database versions not stated): gnomAD exomes below 0.00001.

Submission:

Labcorp Genetics (formerly Invitae), Labcorp
Classification: Uncertain significance for Axenfeld-Rieger syndrome type 3. Last evaluated: 2024-10-23. Review status: criteria provided, single submitter. Criteria: Invitae Variant Classification Sherloc (09022015). Collection method: clinical testing. Allele origin: germline.
Comment: This sequence change replaces serine, which is neutral and polar, with leucine, which is neutral and non-polar, at codon 422 of the FOXC1 protein (p.Ser422Leu). The frequency data for this variant in the population databases is considered unreliable, as metrics indicate poor data quality at this position in the gnomAD database. This variant has not been reported in the literature in individuals affected with FOXC1-related conditions. An algorithm developed to predict the effect of missense changes on protein structure and function (PolyPhen-2) suggests that this variant is likely to be tolerated. In summary, the available evidence is currently insufficient to determine the role of this variant in disease. Therefore, it has been classified as a Variant of Uncertain Significance.

NM_001453.3(FOXC1):c.1265C>T (p.Ser422Leu)

Gene: FOXC1 (forkhead box C1; plus strand). Cytogenetic location: 6p25.3.
Variant type: single nucleotide variant.
Coding change: c.1265C>T on transcript NM_001453.3 (MANE Select); coding-DNA position 1265, C replaced by T.
Protein change: p.Ser422Leu; replaces serine 422 with leucine.
Molecular consequence: missense variant.
Genome position (GRCh38, 1-based): chr6:1,611,710, C>T. VCF-style: chr6-1611710-C-T. GRCh37 (hg19) VCF-style: chr6-1611945-C-T.
Other names: short protein forms S422L.
Identifiers: ClinVar variation 2995216 (VCV002995216.3), dbSNP rs1057519482, ClinGen allele CA362560561.